The following is an entry in ClinVar:

NM_005859.5(PURA):c.599A>C (p.Asp200Ala)

Gene: PURA (purine rich element binding protein A; plus strand). Cytogenetic location: 5q31.3.
Variant type: single nucleotide variant.
Coding change: c.599A>C on transcript NM_005859.5 (MANE Select); coding-DNA position 599, A replaced by C.
Protein change: p.Asp200Ala; replaces aspartic acid 200 with alanine.
Molecular consequence: missense variant.
Genome position (GRCh38, 1-based): chr5:140,114,780, A>C. VCF-style: chr5-140114780-A-C. GRCh37 (hg19) VCF-style: chr5-139494365-A-C.
Other names: short protein forms D200A.
Identifiers: ClinVar variation 3362211 (VCV003362211.1).

ClinVar aggregate classification (germline): Uncertain significance (1 of 4 stars; one submission).

Submission:

GeneDx
Classification: Uncertain significance. Last evaluated: 2023-05-31. Review status: criteria provided, single submitter. Criteria: GeneDx Variant Classification Process June 2021. Collection method: clinical testing. Allele origin: germline. Affected: yes.
Comment: Not observed at significant frequency in large population cohorts (gnomAD); In silico analysis supports that this missense variant has a deleterious effect on protein structure/function; Has not been previously published as pathogenic or benign to our knowledge